The following is an entry in ClinVar:

ClinVar aggregate classification (germline): Likely benign. Review status: criteria provided, multiple submitters, no conflicts (2 of 4 stars). 4 submissions from 4 submitters: Likely benign (3). 1 of the submissions does not count toward it. Last evaluated 2025-10-13.

Conditions:
ANKRD11-related disorder. Also called: ANKRD11-related condition.
KBG syndrome (KBGS). Also called: ANKRD11-Related KBG Syndrome. Identifiers: Orphanet 2332, MedGen C0220687, MONDO:0007846, OMIM 148050.

Allele frequency attached by ClinVar (database versions not stated): gnomAD exomes 0.00002 and 0.00004; ExAC 0.00005; gnomAD 0.00017 and 0.00019; TOPMed 0.00019; ESP Exome Variant Server 0.00038.
gnomAD v4.1: 49 of 1,614,114 alleles (0.003%); highest among the groups gnomAD compares: African/African-American, 0.059%; no homozygotes.

Submissions (4):

Labcorp Genetics (formerly Invitae), Labcorp
Classification: Likely benign for KBG syndrome. Last evaluated: 2025-10-13. Review status: criteria provided, single submitter. Criteria: Invitae Variant Classification Sherloc (09022015). Collection method: clinical testing. Allele origin: germline.

GeneDx
Classification: Likely benign. Last evaluated: 2020-01-23. Review status: criteria provided, single submitter. Criteria: GeneDx Variant Classification Process June 2021. Collection method: clinical testing. Allele origin: germline. Affected: yes.

Women's Health and Genetics/Laboratory Corporation of America, LabCorp
Classification: Likely benign. Last evaluated: 2019-08-14. Review status: criteria provided, single submitter. Criteria: LabCorp Variant Classification Summary - May 2015. Collection method: clinical testing. Allele origin: germline.
Comment: Variant summary: ANKRD11 c.3282C>G (p.Ile1094Met) results in a conservative amino acid change in the encoded protein sequence. Five of five in-silico tools predict a benign effect of the variant on protein function. The variant allele was found at a frequency of 4.4e-05 in 251448 control chromosomes, predominantly at a frequency of 0.00062 within the African or African-American subpopulation in the gnomAD database. The observed variant frequency within African or African-American control individuals in the gnomAD database is approximately 124 fold of the estimated maximal expected allele frequency for a pathogenic variant in ANKRD11 causing KBG Syndrome phenotype (5e-06), strongly suggesting that the variant is a benign polymorphism found primarily in populations of African or African-American origin. To our knowledge, no occurrence of c.3282C>G in individuals affected with KBG Syndrome and no experimental evidence demonstrating its impact on protein function have been reported. No clinical diagnostic laboratories have submitted clinical-significance assessments for this variant to ClinVar after 2014. Based on the evidence outlined above, the variant was classified as likely benign.

PreventionGenetics, part of Exact Sciences
Classification: Likely benign for ANKRD11-related condition. Last evaluated: 2023-04-25. Review status: no assertion criteria provided. Collection method: clinical testing. Allele origin: germline. Not counted in ClinVar's aggregate classification.
Comment: This variant is classified as likely benign based on ACMG/AMP sequence variant interpretation guidelines (Richards et al. 2015 PMID: 25741868, with internal and published modifications).

NM_013275.6(ANKRD11):c.3282C>G (p.Ile1094Met)

Gene: ANKRD11 (ankyrin repeat domain 11; minus strand). Cytogenetic location: 16q24.3.
Variant type: single nucleotide variant.
Coding change: c.3282C>G on transcript NM_013275.6 (MANE Select); coding-DNA position 3282, C replaced by G.
Protein change: p.Ile1094Met; replaces isoleucine 1094 with methionine.
Molecular consequence: missense variant.
Genome position (GRCh38, 1-based): chr16:89,283,260, G>C on the plus strand (C>G on the coding strand, the complement: ANKRD11 is on the minus strand). VCF-style: chr16-89283260-G-C. GRCh37 (hg19) VCF-style: chr16-89349668-G-C.
Other names: c.3282C>G, p.Ile1094Met (NM_001256182.2, NM_001256183.2); short protein forms I1094M.
Identifiers: ClinVar variation 929029 (VCV000929029.13), dbSNP rs139384857, ClinGen allele CA8242388.
Genomic context (GRCh38, chr16:89,283,260, plus strand): 5'-GTACCAGCTTTTCTCTTTGCCTTTCTTGTCATCTTTTTTTTCAGAGAAGTCTTCTGAGAT[G>C]ATCCCAGGGAAAGCCTTCTCCTTCTTCTCTTTCCCTTGGTCGAGAGACGCTTTCCTTTCT-3'
Protein context (NP_037407.4, residues 1084-1104): KEKKEKAFPG[Ile1094Met]ISEDFSEKKD